The following is an entry in ClinVar:

ClinVar aggregate classification (germline): Uncertain significance (1 of 4 stars; one submission).

Conditions:
Cortical dysplasia-focal epilepsy syndrome (PTHSL1). Also called: Pitt-Hopkins-like syndrome 1. Identifiers: Orphanet 163681, Orphanet 221150, MedGen C2750246, MONDO:0012400, OMIM 610042.

Allele frequency attached by ClinVar (database versions not stated): gnomAD exomes below 0.00001 and 0.00001.
gnomAD v4.1: 3 of 1,613,438 alleles (0.00019%); highest among the groups gnomAD compares: East Asian, 0.0022%; no homozygotes.

Submission:

Labcorp Genetics (formerly Invitae), Labcorp
Classification: Uncertain significance for Cortical dysplasia-focal epilepsy syndrome. Last evaluated: 2022-11-29. Review status: criteria provided, single submitter. Criteria: Invitae Variant Classification Sherloc (09022015). Collection method: clinical testing. Allele origin: germline.
Comment: This sequence change replaces alanine, which is neutral and non-polar, with threonine, which is neutral and polar, at codon 243 of the CNTNAP2 protein (p.Ala243Thr). In summary, the available evidence is currently insufficient to determine the role of this variant in disease. Therefore, it has been classified as a Variant of Uncertain Significance. This variant is present in population databases (no rsID available, gnomAD 0.006%). ClinVar contains an entry for this variant (Variation ID: 1382655). Algorithms developed to predict the effect of missense changes on protein structure and function are either unavailable or do not agree on the potential impact of this missense change (SIFT: "Deleterious"; PolyPhen-2: "Possibly Damaging"; Align-GVGD: "Class C0"). This variant has not been reported in the literature in individuals affected with CNTNAP2-related conditions.

NM_014141.6(CNTNAP2):c.727G>A (p.Ala243Thr)

Gene: CNTNAP2 (contactin associated protein 2; plus strand). Cytogenetic location: 7q35.
Variant type: single nucleotide variant.
Coding change: c.727G>A on transcript NM_014141.6 (MANE Select); coding-DNA position 727, G replaced by A.
Protein change: p.Ala243Thr; replaces alanine 243 with threonine.
Molecular consequence: missense variant.
Genome position (GRCh38, 1-based): chr7:147,108,323, G>A. VCF-style: chr7-147108323-G-A. GRCh37 (hg19) VCF-style: chr7-146805415-G-A.
Other names: short protein forms A243T.
Identifiers: ClinVar variation 1382655 (VCV001382655.8), dbSNP rs1209945869, ClinGen allele CA369923311.